The following is an entry in ClinVar:

NM_004098.4(EMX2):c.161CCG[4] (p.Ala58_Ala59del)

Genes: EMX2 (empty spiracles homeobox 2; plus strand), EMX2OS (EMX2 opposite strand/antisense RNA; minus strand). Cytogenetic location: 10q26.11.
Variant type: Microsatellite.
Coding change: c.161CCG[4] on transcript NM_004098.4 (MANE Select); four copies in a row of the 3-base unit CCG starting at c.161; the reference has six copies in a row; two copies, 6 bases deleted.
Protein change: p.Ala58_Ala59del.
Molecular consequence: inframe deletion.
Genome position (GRCh38, 1-based): chr10:117,543,440-117,543,445, CCGCCG deleted; deleting any 6 consecutive bases within chr10:117,543,427-117,543,445 gives the same sequence; the position shown is the placement nearest the transcript's 3' end. VCF-style (leftmost placement, unchanged base first): chr10-117543426-GGCCGCC-G. GRCh37 (hg19) VCF-style: chr10-119302937-GGCCGCC-G.
Other names: c.161CCG[4], p.Ala58_Ala59del (NM_001165924.2); c.173_178del6 (NM_004098.3).
Identifiers: ClinVar variation 193270 (VCV000193270.13), dbSNP rs756693906, ClinGen allele CA238785.

ClinVar aggregate classification (germline): Benign/Likely benign. Review status: criteria provided, multiple submitters, no conflicts (2 of 4 stars). 6 submissions from 6 submitters: Benign (1); Likely benign (4). 1 of the submissions does not count toward it. Last evaluated 2026-03-01.

Conditions:
EMX2-related disorder. Also called: EMX2-related condition.
Schizencephaly. Identifiers: Orphanet 799, MedGen C0266484, MONDO:0010011, OMIM 269160, HP:0010636.

Submissions (6):

CeGaT Center for Human Genetics Tuebingen
Classification: Likely benign. Last evaluated: 2026-03-01. Review status: criteria provided, single submitter. Criteria: CeGaT Center For Human Genetics Tuebingen Variant Classification Criteria Version 2. Collection method: clinical testing. Allele origin: germline. Affected: yes. Observed: 1 variant allele.
Comment: EMX2: BS2

Blueprint Genetics
Classification: Likely benign. Last evaluated: 2024-11-26. Review status: criteria provided, single submitter. Criteria: ACMG Guidelines, 2015. Collection method: clinical testing. Allele origin: germline.

Department of Pathology and Laboratory Medicine, Sinai Health System
Classification: Likely benign for Schizencephaly. Last evaluated: 2023-11-13. Review status: criteria provided, single submitter. Criteria: ACMG Guidelines, 2015. Collection method: research. Allele origin: germline.

Athena Diagnostics
Classification: Benign. Last evaluated: 2017-07-13. Review status: criteria provided, single submitter. Criteria: Athena Diagnostics Criteria. Collection method: clinical testing. Allele origin: germline.

Eurofins Ntd Llc (ga)
Classification: Likely benign. Last evaluated: 2015-03-17. Review status: criteria provided, single submitter. Criteria: EGL Classification Definitions 2015. Collection method: clinical testing. Allele origin: germline. Observed: 2 variant alleles, 2 heterozygotes.

PreventionGenetics, part of Exact Sciences
Classification: Likely benign for EMX2-related condition. Last evaluated: 2024-07-03. Review status: no assertion criteria provided. Collection method: clinical testing. Allele origin: germline. Not counted in ClinVar's aggregate classification.
Comment: This variant is classified as likely benign based on ACMG/AMP sequence variant interpretation guidelines (Richards et al. 2015 PMID: 25741868, with internal and published modifications).